The following is an entry in ClinVar:

ClinVar aggregate classification (germline): Conflicting classifications of pathogenicity. Review status: criteria provided, conflicting classifications (1 of 4 stars). 3 submissions from 3 submitters: Uncertain significance (2); Likely benign (1). Last evaluated 2026-08-01.

Allele frequency attached by ClinVar (database versions not stated): gnomAD 0.00006 and 0.00007; gnomAD exomes 0.00006; ExAC 0.00007; TOPMed 0.00008.
gnomAD v4.1: 217 of 1,612,958 alleles (0.013%); highest among the groups gnomAD compares: Non-Finnish European, 0.017%; no homozygotes.

Submissions (3):

CeGaT Center for Human Genetics Tuebingen
Classification: Uncertain significance. Last evaluated: 2026-08-01. Review status: criteria provided, single submitter. Criteria: CeGaT Center For Human Genetics Tuebingen Variant Classification Criteria Version 2. Collection method: clinical testing. Allele origin: germline. Affected: yes. Observed: 1 variant allele.
Comment: EFEMP1: PM2

Labcorp Genetics (formerly Invitae), Labcorp
Classification: Uncertain significance. Last evaluated: 2024-09-19. Review status: criteria provided, single submitter. Criteria: Invitae Variant Classification Sherloc (09022015). Collection method: clinical testing. Allele origin: germline.
Comment: This sequence change replaces isoleucine, which is neutral and non-polar, with phenylalanine, which is neutral and non-polar, at codon 220 of the EFEMP1 protein (p.Ile220Phe). This variant is present in population databases (rs748965004, gnomAD 0.01%). This variant has not been reported in the literature in individuals affected with EFEMP1-related conditions. ClinVar contains an entry for this variant (Variation ID: 1053504). Invitae Evidence Modeling of protein sequence and biophysical properties (such as structural, functional, and spatial information, amino acid conservation, physicochemical variation, residue mobility, and thermodynamic stability) indicates that this missense variant is not expected to disrupt EFEMP1 protein function with a negative predictive value of 80%. Experimental studies have shown that this missense change does not substantially affect EFEMP1 function (PMID: 33542268). In summary, the available evidence is currently insufficient to determine the role of this variant in disease. Therefore, it has been classified as a Variant of Uncertain Significance.

Blueprint Genetics
Classification: Likely benign. Last evaluated: 2024-02-23. Review status: criteria provided, single submitter. Criteria: ACMG Guidelines, 2015. Collection method: clinical testing. Allele origin: germline.

Literature cited by the submitters: PubMed 33542268 (cited by Labcorp Genetics (formerly Invitae), Labcorp).

NM_001039348.3(EFEMP1):c.658A>T (p.Ile220Phe)

Gene: EFEMP1 (EGF-like fibulin extracellular matrix protein 1; minus strand). Cytogenetic location: 2p16.1.
Variant type: single nucleotide variant.
Coding change: c.658A>T on transcript NM_001039348.3 (MANE Select); coding-DNA position 658, A replaced by T.
Protein change: p.Ile220Phe; replaces isoleucine 220 with phenylalanine.
Molecular consequence: missense variant.
Genome position (GRCh38, 1-based): chr2:55,877,848, T>A on the plus strand (A>T on the coding strand, the complement: EFEMP1 is on the minus strand). VCF-style: chr2-55877848-T-A. GRCh37 (hg19) VCF-style: chr2-56104983-T-A.
Other names: c.658A>T, p.Ile220Phe (NM_001039349.3); short protein forms I220F.
Identifiers: ClinVar variation 1053504 (VCV001053504.11), dbSNP rs748965004, ClinGen allele CA1668862.
Genomic context (GRCh38, chr2:55,877,848, plus strand): 5'-TGCACTGGCAATAAAATGAGCCTGGTGTATTCACGCATCTTTGGTGGCAATATGGAGGGA[T>A]GGTACATTCATCTATGTCTAGGTTATCAGGCACACACACAAAGAGAACCAAATTATTGAA-3'
Protein context (NP_001034437.1, residues 210-230): EQCVDIDECT[Ile220Phe]PPYCHQRCVN